The following is an entry in ClinVar:

ClinVar aggregate classification (germline): Uncertain significance (1 of 4 stars; one submission).

Submission:

Ambry Genetics
Classification: Uncertain significance. Last evaluated: 2026-05-14. Review status: criteria provided, single submitter. Criteria: Ambry Variant Classification Scheme 2023. Collection method: clinical testing. Allele origin: germline.
Comment: The p.I362S variant (also known as c.1085T>G), located in coding exon 1 of the MLH3 gene, results from a T to G substitution at nucleotide position 1085. The isoleucine at codon 362 is replaced by serine, an amino acid with dissimilar properties. This amino acid position is conserved. In addition, the in silico prediction for this alteration is inconclusive. Based on the available evidence, the clinical significance of this variant remains unclear.

NM_001040108.2(MLH3):c.1085T>G (p.Ile362Ser)

Gene: MLH3 (mutL homolog 3; minus strand). Cytogenetic location: 14q24.3.
Variant type: single nucleotide variant.
Coding change: c.1085T>G on transcript NM_001040108.2 (MANE Select); coding-DNA position 1085, T replaced by G.
Protein change: p.Ile362Ser; replaces isoleucine 362 with serine.
Molecular consequence: missense variant.
Genome position (GRCh38, 1-based): chr14:75,048,571, A>C on the plus strand (T>G on the coding strand, the complement: MLH3 is on the minus strand). VCF-style: chr14-75048571-A-C. GRCh37 (hg19) VCF-style: chr14-75515274-A-C.
Other names: c.1085T>G, p.Ile362Ser (NM_014381.3); short protein forms I362S.
Identifiers: ClinVar variation 4860207 (VCV004860207.1).
Genomic context (GRCh38, chr14:75,048,571, plus strand): 5'-ACACGCTTCTGAAGAGTAGCATCAAATAAACTAAAACCATTATCTTCACTAAATTCCTTA[A>C]TATCCTCACCTGATAATTCCACAAATAATTTTTCTTGCTTTAAAAACATTTTCACTCCTT-3'
Protein context (NP_001035197.1, residues 352-372): KLFVELSGED[Ile362Ser]KEFSEDNGFS